The following is an entry in ClinVar:

ClinVar aggregate classification (germline): Uncertain significance (1 of 4 stars; one submission).

gnomAD v4.1: 20 of 1,614,100 alleles (0.0012%); highest among the groups gnomAD compares: South Asian, 0.011%; no homozygotes.

Submission:

Labcorp Genetics (formerly Invitae), Labcorp
Classification: Uncertain significance. Last evaluated: 2024-01-22. Review status: criteria provided, single submitter. Criteria: Invitae Variant Classification Sherloc (09022015). Collection method: clinical testing. Allele origin: germline.
Comment: This sequence change replaces proline, which is neutral and non-polar, with threonine, which is neutral and polar, at codon 1018 of the LAMA1 protein (p.Pro1018Thr). This variant is present in population databases (rs750460729, gnomAD 0.01%). This variant has not been reported in the literature in individuals affected with LAMA1-related conditions. ClinVar contains an entry for this variant (Variation ID: 1913000). Advanced modeling of protein sequence and biophysical properties (such as structural, functional, and spatial information, amino acid conservation, physicochemical variation, residue mobility, and thermodynamic stability) performed at Invitae indicates that this missense variant is expected to disrupt LAMA1 protein function with a positive predictive value of 80%. In summary, the available evidence is currently insufficient to determine the role of this variant in disease. Therefore, it has been classified as a Variant of Uncertain Significance.

NM_005559.4(LAMA1):c.3052C>A (p.Pro1018Thr)

Gene: LAMA1 (laminin subunit alpha 1; minus strand). Cytogenetic location: 18p11.31.
Variant type: single nucleotide variant.
Coding change: c.3052C>A on transcript NM_005559.4 (MANE Select); coding-DNA position 3052, C replaced by A.
Protein change: p.Pro1018Thr; replaces proline 1018 with threonine.
Molecular consequence: missense variant.
Genome position (GRCh38, 1-based): chr18:7,015,796, G>T on the plus strand (C>A on the coding strand, the complement: LAMA1 is on the minus strand). VCF-style: chr18-7015796-G-T. GRCh37 (hg19) VCF-style: chr18-7015795-G-T.
Other names: short protein forms P1018T.
Identifiers: ClinVar variation 1913000 (VCV001913000.5), dbSNP rs750460729, ClinGen allele CA8882416.